The following is an entry in ClinVar:

NM_057176.3(BSND):c.9C>T (p.Asp3=)

Gene: BSND (barttin CLCNK type accessory subunit beta; plus strand). Cytogenetic location: 1p32.3.
Variant type: single nucleotide variant.
Coding change: c.9C>T on transcript NM_057176.3 (MANE Select); coding-DNA position 9, C replaced by T.
Protein change: p.Asp3=; no amino-acid change (aspartic acid 3 retained).
Molecular consequence: synonymous variant.
Genome position (GRCh38, 1-based): chr1:54,999,195, C>T. VCF-style: chr1-54999195-C-T. GRCh37 (hg19) VCF-style: chr1-55464868-C-T.
Identifiers: ClinVar variation 765465 (VCV000765465.15), dbSNP rs141111550, ClinGen allele CA871187.

ClinVar aggregate classification (germline): Likely benign. Review status: criteria provided, multiple submitters, no conflicts (2 of 4 stars). 5 submissions from 5 submitters: Likely benign (3). 2 of the submissions do not count toward it. Last evaluated 2026-07-07.

Conditions:
BSND-related disorder. Also called: BSND-related condition.
Bartter syndrome. Identifiers: Orphanet 112, MedGen C0004775, MONDO:0015231.
Bartter disease type 4A. Also called: BARTTER SYNDROME, NEONATAL, WITH SENSORINEURAL DEAFNESS; BARTTER SYNDROME, TYPE 4A, NEONATAL, WITH SENSORINEURAL DEAFNESS. Identifiers: Orphanet 112, MedGen C1865270, MONDO:0011242, OMIM 602522.

Allele frequency attached by ClinVar (database versions not stated): TOPMed 0.00012; ESP Exome Variant Server 0.00015; gnomAD 0.00016.
gnomAD v4.1: 84 of 1,613,978 alleles (0.0052%); highest among the groups gnomAD compares: African/African-American, 0.049%; no homozygotes.

Submissions (5):

PreventionGenetics, part of Exact Sciences
Classification: Likely benign for BSND-related condition. Last evaluated: 2026-07-07. Review status: criteria provided, single submitter. Criteria: ACMG Guidelines, 2015. Collection method: clinical testing. Allele origin: germline.
Comment: This variant is classified as likely benign based on ACMG/AMP sequence variant interpretation guidelines (Richards et al. 2015 PMID: 25741868, with internal and published modifications).

Labcorp Genetics (formerly Invitae), Labcorp
Classification: Likely benign. Last evaluated: 2026-01-26. Review status: criteria provided, single submitter. Criteria: Invitae Variant Classification Sherloc (09022015). Collection method: clinical testing. Allele origin: germline.

Fulgent Genetics
Classification: Likely benign for Bartter disease type 4A. Last evaluated: 2021-09-14. Review status: criteria provided, single submitter. Criteria: ACMG Guidelines, 2015. Collection method: clinical testing. Allele origin: unknown.

Genetic Services Laboratory, University of Chicago
Classification: Likely benign. Last evaluated: 2022-11-03. Review status: no assertion criteria provided. Collection method: clinical testing. Allele origin: germline. Affected: no. Not counted in ClinVar's aggregate classification.

Natera, Inc.
Classification: Likely benign for Bartter syndrome. Last evaluated: 2020-09-30. Review status: no assertion criteria provided. Collection method: clinical testing. Allele origin: germline. Not counted in ClinVar's aggregate classification.